The following is an entry in ClinVar:

NM_005883.3(APC2):c.5396C>T (p.Pro1799Leu)

Gene: APC2 (APC regulator of Wnt signaling pathway 2; plus strand). Cytogenetic location: 19p13.3.
Variant type: single nucleotide variant.
Coding change: c.5396C>T on transcript NM_005883.3 (MANE Select); coding-DNA position 5396, C replaced by T.
Protein change: p.Pro1799Leu; replaces proline 1799 with leucine.
Molecular consequence: missense variant.
Genome position (GRCh38, 1-based): chr19:1,468,697, C>T. VCF-style: chr19-1468697-C-T. GRCh37 (hg19) VCF-style: chr19-1468696-C-T.
Other names: c.5393C>T, p.Pro1798Leu (NM_001351273.1); short protein forms P1798L, P1799L.
Identifiers: ClinVar variation 714875 (VCV000714875.15), dbSNP rs73516821, ClinGen allele CA9046030.
Genomic context (GRCh38, chr19:1,468,697, plus strand): 5'-AGACCACGCCCGGGGTGCCAGCTGTGCTCCGGGGACGAACAGTGATCTACGTCCCCAGCC[C>T]GGCACCCCGTGCCCAGCCCAAAGGGACCCCCGGCCCCCGCGCCACACCGCGGAAGGTGGC-3'
Protein context (NP_005874.1, residues 1789-1809): RGRTVIYVPS[Pro1799Leu]APRAQPKGTP

ClinVar aggregate classification (germline): Benign/Likely benign. Review status: criteria provided, multiple submitters, no conflicts (2 of 4 stars). 6 submissions from 6 submitters: Benign (2); Likely benign (1). 3 of the submissions do not count toward it. Last evaluated 2025-10-21.

Conditions:
APC2-related disorder. Also called: APC2-Related Disorders; APC2-related condition.
Inborn genetic diseases. Identifiers: MedGen C0950123, MeSH D030342.

Allele frequency attached by ClinVar (database versions not stated): gnomAD exomes 0.00045 and 0.00098; ESP Exome Variant Server 0.00147; 1000 Genomes Project 0.00160; ExAC 0.00165; 1000 Genomes Project 30x 0.00203; gnomAD 0.00210 and 0.00227; TOPMed 0.00261.
gnomAD v4.1: 970 of 1,543,928 alleles (0.063%); highest among the groups gnomAD compares: African/African-American, 0.66%; 4 homozygotes.

Submissions (6):

Labcorp Genetics (formerly Invitae), Labcorp
Classification: Benign. Last evaluated: 2025-10-21. Review status: criteria provided, single submitter. Criteria: Invitae Variant Classification Sherloc (09022015). Collection method: clinical testing. Allele origin: germline.

Ambry Genetics
Classification: Likely benign for Inborn genetic diseases. Last evaluated: 2023-04-26. Review status: criteria provided, single submitter. Criteria: Ambry Variant Classification Scheme 2023. Collection method: clinical testing. Allele origin: germline.

Breakthrough Genomics
Classification: Benign. Review status: criteria provided, single submitter. Criteria: ACMG Guidelines, 2015. Collection method: not provided. Allele origin: germline. Inheritance: Autosomal recessive inheritance. Affected: yes.

PreventionGenetics, part of Exact Sciences
Classification: Benign for APC2-related condition. Last evaluated: 2019-05-02. Review status: no assertion criteria provided. Collection method: clinical testing. Allele origin: germline. Not counted in ClinVar's aggregate classification.
Comment: This variant is classified as benign based on ACMG/AMP sequence variant interpretation guidelines (Richards et al. 2015 PMID: 25741868, with internal and published modifications).

Clinical Genetics DNA and cytogenetics Diagnostics Lab, Erasmus MC, Erasmus Medical Center
Classification: Likely benign. Review status: no assertion criteria provided. Collection method: clinical testing. Allele origin: germline. Affected: yes. Study: VKGL Data-share Consensus. Not counted in ClinVar's aggregate classification.

Laboratory of Diagnostic Genome Analysis, Leiden University Medical Center (LUMC)
Classification: Likely benign. Review status: no assertion criteria provided. Collection method: clinical testing. Allele origin: germline. Affected: yes. Study: VKGL Data-share Consensus. Not counted in ClinVar's aggregate classification.